The following is an entry in ClinVar:

NM_001382391.1(CSPP1):c.923G>A (p.Arg308Lys)

Gene: CSPP1 (centrosome and spindle pole associated protein 1; plus strand). Cytogenetic location: 8q13.1.
Variant type: single nucleotide variant.
Coding change: c.923G>A on transcript NM_001382391.1 (MANE Select); coding-DNA position 923, G replaced by A.
Protein change: p.Arg308Lys; replaces arginine 308 with lysine.
Molecular consequence: missense variant.
Genome position (GRCh38, 1-based): chr8:67,095,732, G>A. VCF-style: chr8-67095732-G-A. GRCh37 (hg19) VCF-style: chr8-68007967-G-A.
Other names: c.68G>A, p.Arg23Lys (NM_001291339.2); c.842G>A, p.Arg281Lys (NM_001363131.2, NM_001363133.2); c.923G>A, p.Arg308Lys (NM_001363132.2); c.1031G>A, p.Arg344Lys (NM_001364869.1); c.950G>A, p.Ser317Asn (NM_001364870.1); c.950G>A, p.Arg317Lys (NM_024790.7); short protein forms S317N, R308K, R344K, R23K, R281K, R317K.
Identifiers: ClinVar variation 1401558 (VCV001401558.9), dbSNP rs2129545557, ClinGen allele CA371192126.

ClinVar aggregate classification (germline): Uncertain significance (1 of 4 stars; one submission).

Conditions:
Joubert syndrome 21 (JBTS21). Identifiers: MedGen C3810212, MONDO:0014288, OMIM 615636.

Allele frequency attached by ClinVar (database versions not stated): gnomAD exomes below 0.00001.
gnomAD v4.1: 1 of 1,515,086 alleles (0.000066%); highest among the groups gnomAD compares: Non-Finnish European, 0.00009%; no homozygotes.

Submission:

Labcorp Genetics (formerly Invitae), Labcorp
Classification: Uncertain significance for Joubert syndrome 21. Last evaluated: 2024-10-08. Review status: criteria provided, single submitter. Criteria: Invitae Variant Classification Sherloc (09022015). Collection method: clinical testing. Allele origin: germline.
Comment: This sequence change replaces arginine, which is basic and polar, with lysine, which is basic and polar, at codon 317 of the CSPP1 protein (p.Arg317Lys). This variant also falls at the last nucleotide of exon 6, which is part of the consensus splice site for this exon. This variant is not present in population databases (gnomAD no frequency). This variant has not been reported in the literature in individuals affected with CSPP1-related conditions. ClinVar contains an entry for this variant (Variation ID: 1401558). An algorithm developed to predict the effect of missense changes on protein structure and function (PolyPhen-2) suggests that this variant is likely to be disruptive. Variants that disrupt the consensus splice site are a relatively common cause of aberrant splicing (PMID: 17576681, 9536098). Algorithms developed to predict the effect of sequence changes on RNA splicing suggest that this variant may disrupt the consensus splice site. In summary, the available evidence is currently insufficient to determine the role of this variant in disease. Therefore, it has been classified as a Variant of Uncertain Significance.

Literature cited by the submitters: PubMed 17576681; PubMed 9536098.